The following is an entry in ClinVar:

ClinVar aggregate classification (germline): Uncertain significance. Review status: criteria provided, multiple submitters, no conflicts (2 of 4 stars). 2 submissions from 2 submitters: Uncertain significance (2). Last evaluated 2021-12-16.

Conditions:
Progressive familial heart block type IB (PFHB1B). Identifiers: Orphanet 871, MedGen C1970298, MONDO:0011474, OMIM 604559.
Cardiovascular phenotype. Identifiers: MedGen CN230736.

Allele frequency attached by ClinVar (database versions not stated): gnomAD exomes below 0.00001; TOPMed below 0.00001; ExAC 0.00001.
gnomAD v4.1: 3 of 1,614,170 alleles (0.00019%); highest among the groups gnomAD compares: East Asian, 0.0067%; no homozygotes.

Submissions (2):

Ambry Genetics
Classification: Uncertain significance for Cardiovascular phenotype. Last evaluated: 2021-12-16. Review status: criteria provided, single submitter. Criteria: Ambry Variant Classification Scheme 2023. Collection method: clinical testing. Allele origin: germline.
Comment: The p.A100D variant (also known as c.299C>A), located in coding exon 4 of the TRPM4 gene, results from a C to A substitution at nucleotide position 299. The alanine at codon 100 is replaced by aspartic acid, an amino acid with dissimilar properties. This amino acid position is conserved. In addition, this alteration is predicted to be tolerated by in silico analysis. Since supporting evidence is limited at this time, the clinical significance of this alteration remains unclear.

Labcorp Genetics (formerly Invitae), Labcorp
Classification: Uncertain significance for Progressive familial heart block type IB. Last evaluated: 2021-10-15. Review status: criteria provided, single submitter. Criteria: Invitae Variant Classification Sherloc (09022015). Collection method: clinical testing. Allele origin: germline.
Comment: This variant has not been reported in the literature in individuals affected with TRPM4-related conditions. This sequence change replaces alanine with aspartic acid at codon 100 of the TRPM4 protein (p.Ala100Asp). The alanine residue is moderately conserved and there is a moderate physicochemical difference between alanine and aspartic acid. This variant is present in population databases (rs746695564, ExAC 0.01%). Algorithms developed to predict the effect of missense changes on protein structure and function are either unavailable or do not agree on the potential impact of this missense change (SIFT: "Tolerated"; PolyPhen-2: "Probably Damaging"; Align-GVGD: "Class C0"). In summary, the available evidence is currently insufficient to determine the role of this variant in disease. Therefore, it has been classified as a Variant of Uncertain Significance.

NM_017636.4(TRPM4):c.299C>A (p.Ala100Asp)

Gene: TRPM4 (transient receptor potential cation channel subfamily M member 4; plus strand). Cytogenetic location: 19q13.33.
Variant type: single nucleotide variant.
Coding change: c.299C>A on transcript NM_017636.4 (MANE Select); coding-DNA position 299, C replaced by A.
Protein change: p.Ala100Asp; replaces alanine 100 with aspartic acid.
Molecular consequence: missense variant. On other transcripts: intron variant (4).
Genome position (GRCh38, 1-based): chr19:49,167,948, C>A. VCF-style: chr19-49167948-C-A. GRCh37 (hg19) VCF-style: chr19-49671205-C-A.
Other names: c.299C>A, p.Ala100Asp (NM_001195227.2); c.-1105-312C>A (NM_001321282.2); c.268-605C>A (NM_001321281.2); c.-74-312C>A (NM_001321283.2); c.-237-605C>A (NM_001321285.2); short protein forms A100D.
Identifiers: ClinVar variation 1012456 (VCV001012456.15), dbSNP rs746695564, ClinGen allele CA9568778.